The following is an entry in ClinVar:

ClinVar aggregate classification (germline): Uncertain significance (1 of 4 stars; one submission).

Allele frequency attached by ClinVar (database versions not stated): gnomAD 0.00003; TOPMed 0.00003.

Submission:

GeneDx
Classification: Uncertain significance. Last evaluated: 2023-04-27. Review status: criteria provided, single submitter. Criteria: GeneDx Variant Classification Process June 2021. Collection method: clinical testing. Allele origin: germline. Affected: yes.
Comment: Not observed at significant frequency in large population cohorts (gnomAD); In silico analysis supports that this missense variant does not alter protein structure/function; Has not been previously published as pathogenic or benign to our knowledge

NM_013435.3(RAX):c.791G>C (p.Gly264Ala)

Genes: RAX (retina and anterior neural fold homeobox; minus strand), LOC130062601 (ATAC-STARR-seq lymphoblastoid silent region 9492; plus strand). Cytogenetic location: 18q21.32.
Variant type: single nucleotide variant.
Coding change: c.791G>C on transcript NM_013435.3 (MANE Select); coding-DNA position 791, G replaced by C.
Protein change: p.Gly264Ala; replaces glycine 264 with alanine.
Molecular consequence: missense variant.
Genome position (GRCh38, 1-based): chr18:59,269,254, C>G on the plus strand (G>C on the coding strand, the complement: RAX is on the minus strand). VCF-style: chr18-59269254-C-G. GRCh37 (hg19) VCF-style: chr18-56936486-C-G.
Other names: short protein forms G264A.
Identifiers: ClinVar variation 2663039 (VCV002663039.1), dbSNP rs1234330530, ClinGen allele CA402584401.